The following is an entry in ClinVar:

ClinVar aggregate classification (germline): Likely benign. Review status: criteria provided, multiple submitters, no conflicts (2 of 4 stars). 3 submissions from 3 submitters: Likely benign (2). 1 of the submissions does not count toward it. Last evaluated 2025-08-20.

Conditions:
LEPR-related disorder. Also called: LEPR-related disorders; LEPR-related condition.

Allele frequency attached by ClinVar (database versions not stated): gnomAD exomes 0.00006; gnomAD 0.00009; TOPMed 0.00009; ExAC 0.00010; ESP Exome Variant Server 0.00015; 1000 Genomes Project 30x 0.00016; 1000 Genomes Project 0.00020.
gnomAD v4.1: 98 of 1,613,712 alleles (0.0061%); highest among the groups gnomAD compares: Non-Finnish European, 0.008%; no homozygotes.

Submissions (3):

Labcorp Genetics (formerly Invitae), Labcorp
Classification: Likely benign. Last evaluated: 2025-08-20. Review status: criteria provided, single submitter. Criteria: Invitae Variant Classification Sherloc (09022015). Collection method: clinical testing. Allele origin: germline.

Blueprint Genetics
Classification: Likely benign. Last evaluated: 2024-11-08. Review status: criteria provided, single submitter. Criteria: ACMG Guidelines, 2015. Collection method: clinical testing. Allele origin: germline.

PreventionGenetics, part of Exact Sciences
Classification: Likely benign for LEPR-related condition. Last evaluated: 2021-08-31. Review status: no assertion criteria provided. Collection method: clinical testing. Allele origin: germline. Not counted in ClinVar's aggregate classification.
Comment: This variant is classified as likely benign based on ACMG/AMP sequence variant interpretation guidelines (Richards et al. 2015 PMID: 25741868, with internal and published modifications).

NM_002303.6(LEPR):c.1368A>G (p.Ser456=)

Gene: LEPR (leptin receptor; plus strand). Cytogenetic location: 1p31.3.
Variant type: single nucleotide variant.
Coding change: c.1368A>G on transcript NM_002303.6 (MANE Select); coding-DNA position 1368, A replaced by G.
Protein change: p.Ser456=; no amino-acid change (serine 456 retained).
Molecular consequence: synonymous variant.
Genome position (GRCh38, 1-based): chr1:65,601,925, A>G. VCF-style: chr1-65601925-A-G. GRCh37 (hg19) VCF-style: chr1-66067608-A-G.
Other names: c.1368A>G, p.Ser456= (NM_001003679.3, NM_001003680.3, NM_001198687.2 and 2 more transcripts).
Identifiers: ClinVar variation 3040447 (VCV003040447.5), dbSNP rs190804135, ClinGen allele CA894782.